The following is an entry in ClinVar:

ClinVar aggregate classification (germline): Uncertain significance. Review status: criteria provided, multiple submitters, no conflicts (2 of 4 stars). 2 submissions from 2 submitters: Uncertain significance (2). Last evaluated 2025-01-29.

Conditions:
Nephronophthisis 9 (NPHP9). Identifiers: Orphanet 655, MedGen C3151188, MONDO:0013444, OMIM 613824.
Polycystic kidney disease 8. Identifiers: MedGen C5935640, MONDO:0971178, OMIM 620903.
Renal-hepatic-pancreatic dysplasia 2 (RHPD2). Identifiers: MedGen C3809434, MONDO:0014174, OMIM 615415.

gnomAD v4.1: 11 of 1,608,774 alleles (0.00068%); highest among the groups gnomAD compares: South Asian, 0.0033%; no homozygotes.

Submissions (2):

Labcorp Genetics (formerly Invitae), Labcorp
Classification: Uncertain significance for Nephronophthisis 9. Last evaluated: 2025-01-29. Review status: criteria provided, single submitter. Criteria: Invitae Variant Classification Sherloc (09022015). Collection method: clinical testing. Allele origin: germline.
Comment: This sequence change replaces glycine, which is neutral and non-polar, with serine, which is neutral and polar, at codon 473 of the NEK8 protein (p.Gly473Ser). This variant also falls at the last nucleotide of exon 10, which is part of the consensus splice site for this exon. This variant is present in population databases (rs766850842, gnomAD 0.006%). This variant has not been reported in the literature in individuals affected with NEK8-related conditions. An algorithm developed to predict the effect of missense changes on protein structure and function (PolyPhen-2) suggests that this variant is likely to be disruptive. Variants that disrupt the consensus splice site are a relatively common cause of aberrant splicing (PMID: 17576681, 9536098). Algorithms developed to predict the effect of sequence changes on RNA splicing suggest that this variant may disrupt the consensus splice site. In summary, the available evidence is currently insufficient to determine the role of this variant in disease. Therefore, it has been classified as a Variant of Uncertain Significance.

Fulgent Genetics
Classification: Uncertain significance for Nephronophthisis 9; Renal-hepatic-pancreatic dysplasia 2; Polycystic kidney disease 8. Last evaluated: 2023-12-29. Review status: criteria provided, single submitter. Criteria: ACMG Guidelines, 2015. Collection method: clinical testing. Allele origin: germline.

Literature cited by the submitters: PubMed 17576681 (cited by Labcorp Genetics (formerly Invitae), Labcorp); PubMed 9536098 (cited by Labcorp Genetics (formerly Invitae), Labcorp).

NM_178170.3(NEK8):c.1417G>A (p.Gly473Ser)

Gene: NEK8 (NIMA related kinase 8; plus strand). Cytogenetic location: 17q11.2.
Variant type: single nucleotide variant.
Coding change: c.1417G>A on transcript NM_178170.3 (MANE Select); coding-DNA position 1417, G replaced by A.
Protein change: p.Gly473Ser; replaces glycine 473 with serine.
Molecular consequence: missense variant.
Genome position (GRCh38, 1-based): chr17:28,739,201, G>A. VCF-style: chr17-28739201-G-A. GRCh37 (hg19) VCF-style: chr17-27066219-G-A.
Other names: short protein forms G473S.
Identifiers: ClinVar variation 3581783 (VCV003581783.2).